The following is an entry in ClinVar:

ClinVar aggregate classification (germline): Likely benign (1 of 4 stars; one submission).

Conditions:
BBIP1-related disorder. Also called: BBIP1-related condition.

gnomAD v4.1: 58 of 1,535,452 alleles (0.0038%); highest among the groups gnomAD compares: South Asian, 0.067%; no homozygotes.

Submission:

PreventionGenetics, part of Exact Sciences
Classification: Likely benign for BBIP1-related condition. Last evaluated: 2025-11-26. Review status: criteria provided, single submitter. Criteria: ACMG Guidelines, 2015. Collection method: clinical testing. Allele origin: germline.
Comment: This variant is classified as likely benign based on ACMG/AMP sequence variant interpretation guidelines (Richards et al. 2015 PMID: 25741868, with internal and published modifications).

NM_001195305.3(BBIP1):c.-6G>A

Gene: BBIP1 (BBSome interacting protein 1; minus strand). Cytogenetic location: 10q25.2.
Variant type: single nucleotide variant.
Coding change: c.-6G>A on transcript NM_001195305.3 (MANE Select); 6 bases upstream of the start codon, G replaced by A.
Molecular consequence: 5 prime UTR variant. On other transcripts: intron variant (1).
Genome position (GRCh38, 1-based): chr10:110,918,163, C>T on the plus strand (G>A on the coding strand, the complement: BBIP1 is on the minus strand). VCF-style: chr10-110918163-C-T. GRCh37 (hg19) VCF-style: chr10-112677921-C-T.
Other names: c.-6G>A (NM_001195304.2, NM_001195306.2, NM_001195307.2); c.-30+958G>A (NM_001243783.3).
Identifiers: ClinVar variation 4988709 (VCV004988709.1).